The following is an entry in ClinVar:

ClinVar aggregate classification (germline): Uncertain significance (1 of 4 stars; one submission).

Conditions:
Duchenne muscular dystrophy (DMD). Also called: MUSCULAR DYSTROPHY, PSEUDOHYPERTROPHIC PROGRESSIVE, DUCHENNE TYPE; Duchenne Muscular Dystrophy (DMD). Identifiers: Orphanet 98896, MedGen C0013264, MONDO:0010679, OMIM 310200.

Submission:

Helix
Classification: Uncertain significance for Duchenne muscular dystrophy. Last evaluated: 2025-11-11. Review status: criteria provided, single submitter. Criteria: ACMG Guidelines, 2015. Collection method: clinical testing. Allele origin: germline. Inheritance: X-linked inheritance.
Comment: This variant (NM_004006.3:c.2186C>T p.Thr729Ile) results in the substitution of threonine with isoleucine at codon 729 in the DMD protein. It is a rare variant that is absent from the large gnomAD population database (v4.1). To our knowledge, this variant has not been reported in individuals with DMD-related conditions in the published literature. In silico prediction from REVEL (PMID: 27666373) is indeterminate. In conclusion, since the available evidence is limited, the clinical significance of this variant is unclear at this time. Therefore, it is classified as a Variant of Uncertain Significance.

NM_004006.3(DMD):c.2186C>T (p.Thr729Ile)

Gene: DMD (dystrophin; minus strand). Cytogenetic location: Xp21.1.
Variant type: single nucleotide variant.
Coding change: c.2186C>T on transcript NM_004006.3 (MANE Select); coding-DNA position 2186, C replaced by T.
Protein change: p.Thr729Ile; replaces threonine 729 with isoleucine.
Molecular consequence: missense variant.
Genome position (GRCh38, 1-based): chrX:32,518,114, G>A on the plus strand (C>T on the coding strand, the complement: DMD is on the minus strand). VCF-style: chrX-32518114-G-A. GRCh37 (hg19) VCF-style: chrX-32536231-G-A.
Other names: c.2162C>T, p.Thr721Ile (NM_000109.4); c.2174C>T, p.Thr725Ile (NM_004009.3); c.1817C>T, p.Thr606Ile (NM_004010.3); short protein forms T606I, T721I, T725I, T729I.
Identifiers: ClinVar variation 4890809 (VCV004890809.1).
Genomic context (GRCh38, chrX:32,518,114, plus strand): 5'-ATTGCAAATTCAGGACTCTGCAACACAGCTTCTGAGCGAGTAATCCAGCTGTGAAGTTCA[G>A]TTATATCAACATCCAACCTAAGACAGCAAAAAATAAAAGTCATTATTTCTTGATTATCTC-3'
Protein context (NP_003997.2, residues 719-739): EIRKRLDVDI[Thr729Ile]ELHSWITRSE